The following is an entry in ClinVar:

ClinVar aggregate classification (germline): Conflicting classifications of pathogenicity. Review status: criteria provided, conflicting classifications (1 of 4 stars). 4 submissions from 4 submitters: Uncertain significance (2); Likely benign (2). Last evaluated 2024-11-01.

Conditions:
Inborn genetic diseases. Identifiers: MedGen C0950123, MeSH D030342.

Allele frequency attached by ClinVar (database versions not stated): TOPMed 0.00001.
gnomAD v4.1: 15 of 1,594,198 alleles (0.00094%); highest among the groups gnomAD compares: African/African-American, 0.019%; no homozygotes.

Submissions (4):

CeGaT Center for Human Genetics Tuebingen
Classification: Likely benign. Last evaluated: 2024-11-01. Review status: criteria provided, single submitter. Criteria: CeGaT Center For Human Genetics Tuebingen Variant Classification Criteria Version 2. Collection method: clinical testing. Allele origin: germline. Affected: yes. Observed: 1 variant allele.
Comment: HECW2: BP4

Labcorp Genetics (formerly Invitae), Labcorp
Classification: Uncertain significance. Last evaluated: 2024-10-23. Review status: criteria provided, single submitter. Criteria: Invitae Variant Classification Sherloc (09022015). Collection method: clinical testing. Allele origin: germline.
Comment: This sequence change replaces threonine, which is neutral and polar, with lysine, which is basic and polar, at codon 582 of the HECW2 protein (p.Thr582Lys). This variant is not present in population databases (gnomAD no frequency). This variant has not been reported in the literature in individuals affected with HECW2-related conditions. ClinVar contains an entry for this variant (Variation ID: 854505). Invitae Evidence Modeling of protein sequence and biophysical properties (such as structural, functional, and spatial information, amino acid conservation, physicochemical variation, residue mobility, and thermodynamic stability) indicates that this missense variant is not expected to disrupt HECW2 protein function with a negative predictive value of 80%. In summary, the available evidence is currently insufficient to determine the role of this variant in disease. Therefore, it has been classified as a Variant of Uncertain Significance.

Blueprint Genetics
Classification: Likely benign. Last evaluated: 2021-03-25. Review status: criteria provided, single submitter. Criteria: ACMG Guidelines, 2015. Collection method: clinical testing. Allele origin: germline.

Ambry Genetics
Classification: Uncertain significance for Inborn genetic diseases. Last evaluated: 2016-03-10. Review status: criteria provided, single submitter. Criteria: Ambry exome assertion method (8-5-2015). Collection method: clinical testing. Allele origin: germline. Affected: yes. Observed: 1 variant allele.

NM_001348768.2(HECW2):c.1745C>A (p.Thr582Lys)

Gene: HECW2 (HECT, C2 and WW domain containing E3 ubiquitin protein ligase 2; minus strand). Cytogenetic location: 2q32.3.
Variant type: single nucleotide variant.
Coding change: c.1745C>A on transcript NM_001348768.2 (MANE Select); coding-DNA position 1745, C replaced by A.
Protein change: p.Thr582Lys; replaces threonine 582 with lysine.
Molecular consequence: missense variant.
Genome position (GRCh38, 1-based): chr2:196,319,145, G>T on the plus strand (C>A on the coding strand, the complement: HECW2 is on the minus strand). VCF-style: chr2-196319145-G-T. GRCh37 (hg19) VCF-style: chr2-197183869-G-T.
Other names: c.677C>A, p.Thr226Lys (NM_001304840.3); c.1745C>A, p.Thr582Lys (NM_020760.4); short protein forms T582K, T226K.
Identifiers: ClinVar variation 854505 (VCV000854505.28), dbSNP rs924461024, ClinGen allele CA62784198.